The following is an entry in ClinVar:

ClinVar aggregate classification (germline): Benign. Review status: criteria provided, multiple submitters, no conflicts (2 of 4 stars). 4 submissions from 4 submitters: Benign (3). 1 of the submissions does not count toward it. Last evaluated 2026-02-01.

Conditions:
MYH7B-related disorder. Also called: MYH7B-related condition.

Allele frequency attached by ClinVar (database versions not stated): TOPMed 0.17594; gnomAD exomes 0.19086; ExAC 0.26900; 1000 Genomes Project 30x 0.16818; ESP Exome Variant Server 0.17557; gnomAD 0.17880 and 0.18011; 1000 Genomes Project 0.17153.
gnomAD v4.1: 282,861 of 1,516,006 alleles (19%); highest among the groups gnomAD compares: Middle Eastern, 33%; 27,454 homozygotes.

Submissions (4):

Labcorp Genetics (formerly Invitae), Labcorp
Classification: Benign. Last evaluated: 2026-02-01. Review status: criteria provided, single submitter. Criteria: Invitae Variant Classification Sherloc (09022015). Collection method: clinical testing. Allele origin: germline.

GeneDx
Classification: Benign. Last evaluated: 2019-08-23. Review status: criteria provided, single submitter. Criteria: GeneDx Variant Classification Process June 2021. Collection method: clinical testing. Allele origin: germline. Affected: yes.
Comment: This variant is associated with the following publications: (PMID: 30012220)

Breakthrough Genomics
Classification: Benign. Review status: criteria provided, single submitter. Criteria: ACMG Guidelines, 2015. Collection method: not provided. Allele origin: germline. Inheritance: Unknown mechanism. Affected: yes.

PreventionGenetics, part of Exact Sciences
Classification: Benign for MYH7B-related condition. Last evaluated: 2019-10-17. Review status: no assertion criteria provided. Collection method: clinical testing. Allele origin: germline. Not counted in ClinVar's aggregate classification.
Comment: This variant is classified as benign based on ACMG/AMP sequence variant interpretation guidelines (Richards et al. 2015 PMID: 25741868, with internal and published modifications).

NM_020884.7(MYH7B):c.4530G>C (p.Lys1510Asn)

Gene: MYH7B (myosin heavy chain 7B; plus strand). Cytogenetic location: 20q11.22.
Variant type: single nucleotide variant.
Coding change: c.4530G>C on transcript NM_020884.7 (MANE Select); coding-DNA position 4530, G replaced by C.
Protein change: p.Lys1510Asn; replaces lysine 1510 with asparagine.
Molecular consequence: missense variant.
Genome position (GRCh38, 1-based): chr20:34,999,395, G>C. VCF-style: chr20-34999395-G-C. GRCh37 (hg19) VCF-style: chr20-33587198-G-C.
Other names: c.4656G>C (NM_020884.4); short protein forms K1510N.
Identifiers: ClinVar variation 1238082 (VCV001238082.14), dbSNP rs3746435, ClinGen allele CA9828132.